The following is an entry in ClinVar:

ClinVar aggregate classification (germline): Benign/Likely benign. Review status: criteria provided, multiple submitters, no conflicts (2 of 4 stars). 10 submissions from 10 submitters: Benign (8); Likely benign (1). 1 of the submissions does not count toward it. Last evaluated 2026-02-04.

Conditions:
Fanconi anemia complementation group E (FANCE). Also called: FANCE-Related Fanconi Anemia. Identifiers: Orphanet 84, MedGen C3160739, MONDO:0010953, OMIM 600901.

Allele frequency attached by ClinVar (database versions not stated): ESP Exome Variant Server 0.73566; TOPMed 0.75601; 1000 Genomes Project 0.77796; 1000 Genomes Project 30x 0.78310.
gnomAD v4.1: 1,115,233 of 1,613,928 alleles (69%); highest among the groups gnomAD compares: African/African-American, 87%; 388,042 homozygotes.

Submissions (10):

Labcorp Genetics (formerly Invitae), Labcorp
Classification: Benign for Fanconi anemia complementation group E. Last evaluated: 2026-02-04. Review status: criteria provided, single submitter. Criteria: Invitae Variant Classification Sherloc (09022015). Collection method: clinical testing. Allele origin: germline.

ARUP Laboratories, Molecular Genetics and Genomics, ARUP Laboratories
Classification: Benign for Fanconi anemia complementation group E. Last evaluated: 2025-07-21. Review status: criteria provided, single submitter. Criteria: ARUP Molecular Germline Variant Investigation Process 2024. Collection method: clinical testing. Allele origin: germline.

Blueprint Genetics
Classification: Likely benign. Last evaluated: 2024-11-27. Review status: criteria provided, single submitter. Criteria: ACMG Guidelines, 2015. Collection method: clinical testing. Allele origin: germline.

KCCC/NGS Laboratory, Kuwait Cancer Control Center
Classification: Benign for Fanconi anemia complementation group E. Last evaluated: 2023-07-07. Review status: criteria provided, single submitter. Criteria: ACMG Guidelines, 2015. Collection method: clinical testing. Allele origin: germline. Affected: yes.

Mayo Clinic Laboratories, Mayo Clinic
Classification: Benign. Last evaluated: 2022-09-06. Review status: criteria provided, single submitter. Criteria: ACMG Guidelines, 2015. Collection method: clinical testing. Allele origin: germline. Observed: 52 variant alleles.

Genome-Nilou Lab
Classification: Benign for Fanconi anemia complementation group E. Last evaluated: 2021-08-10. Review status: criteria provided, single submitter. Criteria: ACMG Guidelines, 2015. Collection method: clinical testing. Allele origin: germline. Affected: no.

GeneDx
Classification: Benign. Last evaluated: 2019-01-14. Review status: criteria provided, single submitter. Criteria: GeneDx Variant Classification Process June 2021. Collection method: clinical testing. Allele origin: germline. Affected: yes.

Illumina Laboratory Services, Illumina
Classification: Benign for Fanconi anemia complementation group E. Last evaluated: 2018-01-13. Review status: criteria provided, single submitter. Criteria: ICSL Variant Classification Criteria 13 December 2019. Collection method: clinical testing. Allele origin: germline.
Comment: This variant was observed in the ICSL laboratory as part of a predisposition screen in an ostensibly healthy population. It had not been previously curated by ICSL or reported in the Human Gene Mutation Database (HGMD: prior to June 1st, 2018), and was therefore a candidate for classification through an automated scoring system. Utilizing variant allele frequency, disease prevalence and penetrance estimates, and inheritance mode, an automated score was calculated to assess if this variant is too frequent to cause the disease. Based on the score and internal cut-off values, a variant classified as benign is not then subjected to further curation. The score for this variant resulted in a classification of benign for this disease.

PreventionGenetics, part of Exact Sciences
Classification: Benign. Review status: criteria provided, single submitter. Criteria: ACMG Guidelines, 2015. Collection method: clinical testing. Allele origin: germline.

Leiden Open Variation Database
Classification: Uncertain significance. Last evaluated: 2011-02-07. Review status: no assertion criteria provided. Collection method: curation. Allele origin: germline. Affected: yes. Not counted in ClinVar's aggregate classification.
Comment: Curator: Arleen D. Auerbach. Submitter to LOVD: Arleen D. Auerbach.

Literature cited by the submitters: PubMed 14695169 (cited by Leiden Open Variation Database).

NM_021922.3(FANCE):c.387A>C (p.Pro129=)

Gene: FANCE (FA complementation group E; plus strand). Cytogenetic location: 6p21.31.
Variant type: single nucleotide variant.
Coding change: c.387A>C on transcript NM_021922.3 (MANE Select); coding-DNA position 387, A replaced by C.
Protein change: p.Pro129=; no amino-acid change (proline 129 retained).
Molecular consequence: synonymous variant.
Genome position (GRCh38, 1-based): chr6:35,455,885, A>C. VCF-style: chr6-35455885-A-C. GRCh37 (hg19) VCF-style: chr6-35423662-A-C.
Other names: p.Pro129=.
Identifiers: ClinVar variation 261435 (VCV000261435.32), dbSNP rs4713867, ClinGen allele CA3771398.